The following is an entry in ClinVar:

NM_000277.3(PAH):c.350del (p.Thr117fs)

Gene: PAH (phenylalanine hydroxylase; minus strand). Cytogenetic location: 12q23.2.
Variant type: Deletion.
Coding change: c.350del on transcript NM_000277.3 (MANE Select); coding-DNA position 350, one base deleted (C; older notation c.350delC).
Protein change: p.Thr117fs; shifts the reading frame from threonine 117.
Molecular consequence: frameshift variant.
Genome position (GRCh38, 1-based): chr12:102,894,737, G deleted on the plus strand (C on the coding strand, the reverse complement: PAH is on the minus strand). VCF-style (leftmost placement, unchanged base first): chr12-102894736-TG-T. GRCh37 (hg19) VCF-style: chr12-103288514-TG-T.
Other names: c.350del, p.Thr117fs (NM_001354304.2); short protein forms T117fs.
Identifiers: ClinVar variation 120274 (VCV000120274.3), dbSNP rs281865428, ClinGen allele CA267653.

ClinVar aggregate classification (germline): Pathogenic. Review status: reviewed by expert panel (3 of 4 stars). 2 submissions from 2 submitters: Pathogenic (1). 1 of the submissions does not count toward it. Last evaluated 2018-12-22.

Conditions:
Phenylketonuria (PKU). Also called: Phenylketonuria (PKU); FOLLING DISEASE; OLIGOPHRENIA PHENYLPYRUVICA; Phenylketonurias. Identifiers: Orphanet 716, MedGen C0031485, MONDO:0009861, OMIM 261600. Disease mechanism: loss of function.

Submissions (2):

ClinGen PAH Variant Curation Expert Panel
Classification: Pathogenic for Phenylketonuria. Last evaluated: 2018-12-22. Review status: reviewed by expert panel. Criteria: ClinGen PAH ACMG Specifications v1. Collection method: curation. Allele origin: germline. Inheritance: Autosomal recessive inheritance.
Comment: The c.350delC variant in PAH has been previously reported in at least 2 Arab-Israeli probands with classic PKU (PMID: 18299955; PMID: 18294361); BH4 deficiency was not excluded (PP4). The variant is a frameshift variant occurring in exon 3 of 13 in the canonical transcript of PAH, a gene fulfilling the most recent criteria for LOF being a known disease mechanism (PVS1; see PVS1: Recommendations for Interpreting the Loss of Function PVS1 ACMG/AMP Variant Criteria). It is absent from control databases including ethnically matched individuals, including gnomAD/ExAC, 1000 Genomes, and the Greater Middle East Variome (PM2).

Inserm U 954, Faculté de Médecine de Nancy
Classification: Likely pathogenic for Phenylketonuria. Review status: no assertion criteria provided. Collection method: not provided. Allele origin: unknown. Not counted in ClinVar's aggregate classification.
ClinVar note: Converted during submission from probable-pathogenic to Likely pathogenic.

Literature cited by the submitters: PubMed 18294361 (cited by ClinGen PAH Variant Curation Expert Panel); PubMed 18299955 (cited by ClinGen PAH Variant Curation Expert Panel).